The following is an entry in ClinVar:

NM_000132.4(F8):c.6047G>A (p.Arg2016Gln)

Gene: F8 (coagulation factor VIII; minus strand). Cytogenetic location: Xq28.
Variant type: single nucleotide variant.
Coding change: c.6047G>A on transcript NM_000132.4 (MANE Select); coding-DNA position 6047, G replaced by A.
Protein change: p.Arg2016Gln; replaces arginine 2016 with glutamine.
Molecular consequence: missense variant.
Genome position (GRCh38, 1-based): chrX:154,902,119, C>T on the plus strand (G>A on the coding strand, the complement: F8 is on the minus strand). VCF-style: chrX-154902119-C-T. GRCh37 (hg19) VCF-style: chrX-154130394-C-T.
Other names: short protein forms R2016Q.
Identifiers: ClinVar variation 1684379 (VCV001684379.23), dbSNP rs1444225681, ClinGen allele CA414904951.

ClinVar aggregate classification (germline): Likely pathogenic. Review status: criteria provided, single submitter (1 of 4 stars). 2 submissions from 2 submitters: Likely pathogenic (1). 1 of the submissions does not count toward it. Last evaluated 2023-12-01.

Conditions:
Hereditary factor VIII deficiency disease (HEMA). Also called: Hemophilia A; Hemophilia A, congenital; HEM A; Factor 8 deficiency, congenital; HEMOPHILIA, CLASSIC; AUTOSOMAL HEMOPHILIA A. Identifiers: Orphanet 98878, MedGen C0019069, MONDO:0010602, OMIM 306700.

Allele frequency attached by ClinVar (database versions not stated): gnomAD exomes 0.00001.
gnomAD v4.1: 9 of 1,210,645 alleles (0.00074%); highest among the groups gnomAD compares: African/African-American, 0.0052%; no homozygotes.

Submissions (2):

CeGaT Center for Human Genetics Tuebingen
Classification: Likely pathogenic. Last evaluated: 2023-12-01. Review status: criteria provided, single submitter. Criteria: CeGaT Center For Human Genetics Tuebingen Variant Classification Criteria Version 2. Collection method: clinical testing. Allele origin: germline. Affected: yes. Observed: 1 variant allele.
Comment: F8: PM1, PM2, PM5

ISTH-SSC Genomics in Thrombosis and Hemostasis, KU Leuven, Center for Molecular and Vascular Biology
Classification: Likely pathogenic for Hereditary factor VIII deficiency disease. Review status: no assertion criteria provided. Collection method: research. Allele origin: unknown. Affected: yes. Not counted in ClinVar's aggregate classification.
Comment: Submitted to GoldVariant by Dr Karyn Mégy from NIHR Bioresource - Cambridge University, UK